The following is an entry in ClinVar:

ClinVar aggregate classification (germline): Uncertain significance (1 of 4 stars; one submission).

Conditions:
Aortic aneurysm, familial thoracic 7 (AAT7). Also called: AORTIC DISSECTION, FAMILIAL, WITH OR WITHOUT AORTIC ANEURYSM. Identifiers: MedGen C3151077, MONDO:0013418, OMIM 613780.

gnomAD v4.1: 3 of 1,614,072 alleles (0.00019%); highest among the groups gnomAD compares: Non-Finnish European, 0.00025%; no homozygotes.

Submission:

Labcorp Genetics (formerly Invitae), Labcorp
Classification: Uncertain significance for Aortic aneurysm, familial thoracic 7. Last evaluated: 2025-04-01. Review status: criteria provided, single submitter. Criteria: Invitae Variant Classification Sherloc (09022015). Collection method: clinical testing. Allele origin: germline.
Comment: This sequence change replaces threonine, which is neutral and polar, with alanine, which is neutral and non-polar, at codon 331 of the MYLK protein (p.Thr331Ala). This variant is not present in population databases (gnomAD no frequency). This variant has not been reported in the literature in individuals affected with MYLK-related conditions. Invitae Evidence Modeling of protein sequence and biophysical properties (such as structural, functional, and spatial information, amino acid conservation, physicochemical variation, residue mobility, and thermodynamic stability) indicates that this missense variant is not expected to disrupt MYLK protein function with a negative predictive value of 95%. In summary, the available evidence is currently insufficient to determine the role of this variant in disease. Therefore, it has been classified as a Variant of Uncertain Significance.

NM_053025.4(MYLK):c.991A>G (p.Thr331Ala)

Gene: MYLK (myosin light chain kinase; minus strand). Cytogenetic location: 3q21.1.
Variant type: single nucleotide variant.
Coding change: c.991A>G on transcript NM_053025.4 (MANE Select); coding-DNA position 991, A replaced by G.
Protein change: p.Thr331Ala; replaces threonine 331 with alanine.
Molecular consequence: missense variant.
Genome position (GRCh38, 1-based): chr3:123,734,005, T>C on the plus strand (A>G on the coding strand, the complement: MYLK is on the minus strand). VCF-style: chr3-123734005-T-C. GRCh37 (hg19) VCF-style: chr3-123452852-T-C.
Other names: c.463A>G, p.Thr155Ala (NM_001321309.2); c.991A>G, p.Thr331Ala (NM_053026.4, NM_053027.4, NM_053028.4); short protein forms T331A, T155A.
Identifiers: ClinVar variation 4747967 (VCV004747967.1).